The following is an entry in ClinVar:

NM_001876.4(CPT1A):c.1033G>A (p.Val345Ile)

Gene: CPT1A (carnitine palmitoyltransferase 1A; minus strand). Cytogenetic location: 11q13.3.
Variant type: single nucleotide variant.
Coding change: c.1033G>A on transcript NM_001876.4 (MANE Select); coding-DNA position 1033, G replaced by A.
Protein change: p.Val345Ile; replaces valine 345 with isoleucine.
Molecular consequence: missense variant.
Genome position (GRCh38, 1-based): chr11:68,784,945, C>T on the plus strand (G>A on the coding strand, the complement: CPT1A is on the minus strand). VCF-style: chr11-68784945-C-T. GRCh37 (hg19) VCF-style: chr11-68552413-C-T.
Other names: c.1033G>A, p.Val345Ile (NM_001031847.3); short protein forms V345I.
Identifiers: ClinVar variation 2808377 (VCV002808377.3), dbSNP rs1197967063, ClinGen allele CA381633419.

ClinVar aggregate classification (germline): Uncertain significance (1 of 4 stars; one submission).

Conditions:
Carnitine palmitoyl transferase 1A deficiency. Also called: CPT deficiency, hepatic, type IA; Carnitine palmitoyltransferase type I deficiency; CPT I DEFICIENCY; CPT DEFICIENCY, HEPATIC, TYPE I; Carnitine palmitoyltransferase 1A deficiency. Identifiers: Orphanet 156, MedGen C1829703, MONDO:0009705, OMIM 255120.

Allele frequency attached by ClinVar (database versions not stated): gnomAD 0.00001.
gnomAD v4.1: 2 of 1,613,988 alleles (0.00012%); highest among the groups gnomAD compares: Non-Finnish European, 0.00017%; no homozygotes.

Submission:

Labcorp Genetics (formerly Invitae), Labcorp
Classification: Uncertain significance for Carnitine palmitoyl transferase 1A deficiency. Last evaluated: 2023-11-14. Review status: criteria provided, single submitter. Criteria: Invitae Variant Classification Sherloc (09022015). Collection method: clinical testing. Allele origin: germline.
Comment: This sequence change replaces valine, which is neutral and non-polar, with isoleucine, which is neutral and non-polar, at codon 345 of the CPT1A protein (p.Val345Ile). This variant is present in population databases (no rsID available, gnomAD no frequency). This variant has not been reported in the literature in individuals affected with CPT1A-related conditions. Advanced modeling of protein sequence and biophysical properties (such as structural, functional, and spatial information, amino acid conservation, physicochemical variation, residue mobility, and thermodynamic stability) performed at Invitae indicates that this missense variant is not expected to disrupt CPT1A protein function with a negative predictive value of 95%. In summary, the available evidence is currently insufficient to determine the role of this variant in disease. Therefore, it has been classified as a Variant of Uncertain Significance.